The following is an entry in ClinVar:

ClinVar aggregate classification (germline): Uncertain significance (1 of 4 stars; one submission).

Allele frequency attached by ClinVar (database versions not stated): gnomAD exomes below 0.00001 and 0.00001; TOPMed below 0.00001; ExAC 0.00001; gnomAD 0.00001.
gnomAD v4.1: 8 of 1,613,388 alleles (0.0005%); highest among the groups gnomAD compares: Non-Finnish European, 0.00059%; no homozygotes.

Submission:

GeneDx
Classification: Uncertain significance. Last evaluated: 2021-05-25. Review status: criteria provided, single submitter. Criteria: GeneDx Variant Classification Process June 2021. Collection method: clinical testing. Allele origin: germline. Affected: yes.
Comment: Not observed at significant frequency in large population cohorts (Lek et al., 2016); In silico analysis supports that this missense variant does not alter protein structure/function; Has not been previously published as pathogenic or benign to our knowledge

NM_000875.5(IGF1R):c.3964G>A (p.Gly1322Arg)

Gene: IGF1R (insulin like growth factor 1 receptor; plus strand). Cytogenetic location: 15q26.3.
Variant type: single nucleotide variant.
Coding change: c.3964G>A on transcript NM_000875.5 (MANE Select); coding-DNA position 3964, G replaced by A.
Protein change: p.Gly1322Arg; replaces glycine 1322 with arginine.
Molecular consequence: missense variant.
Genome position (GRCh38, 1-based): chr15:98,957,302, G>A. VCF-style: chr15-98957302-G-A. GRCh37 (hg19) VCF-style: chr15-99500531-G-A.
Other names: c.3961G>A, p.Gly1321Arg (NM_001291858.2); short protein forms G1321R, G1322R.
Identifiers: ClinVar variation 1326811 (VCV001326811.2), dbSNP rs779104996, ClinGen allele CA7752848.